The following is an entry in ClinVar:

NM_012072.4(CD93):c.1934+86G>A

Gene: CD93 (CD93 molecule; minus strand). Cytogenetic location: 20p11.21.
Variant type: single nucleotide variant.
Coding change: c.1934+86G>A on transcript NM_012072.4 (MANE Select); 86 bases into the intron after coding-DNA position 1934, G replaced by A.
Molecular consequence: intron variant.
Genome position (GRCh38, 1-based): chr20:23,084,173, C>T on the plus strand (G>A on the coding strand, the complement: CD93 is on the minus strand). VCF-style: chr20-23084173-C-T. GRCh37 (hg19) VCF-style: chr20-23064810-C-T.
Identifiers: ClinVar variation 2688534 (VCV002688534.2), dbSNP rs11087413, ClinGen allele CA14772350.

ClinVar aggregate classification (germline): Benign (1 of 4 stars; one submission).

Allele frequency attached by ClinVar (database versions not stated): gnomAD 0.51312; TOPMed 0.52959; 1000 Genomes Project 0.56749; 1000 Genomes Project 30x 0.56480; gnomAD exomes 0.56492.
gnomAD v4.1: 851,418 of 1,519,054 alleles (56%); highest among the groups gnomAD compares: East Asian, 80%; 244,047 homozygotes.

Submission:

Unidad de Genómica Garrahan, Hospital de Pediatría Garrahan
Classification: Benign. Last evaluated: 2024-01-24. Review status: criteria provided, single submitter. Criteria: ACMG Guidelines, 2015. Collection method: clinical testing. Allele origin: germline. Affected: no. Observed: 76 variant alleles.
Comment: This variant is classified as Benign based on local population frequency. This variant was detected in 86% of patients studied by a panel of primary immunodeficiencies. Number of patients: 76. Only high quality variants are reported.